The following is an entry in ClinVar:

NM_033337.3(CAV3):c.130G>A (p.Val44Met)

Genes: CAV3 (caveolin 3; plus strand), OXTR (oxytocin receptor; minus strand). Cytogenetic location: 3p25.3.
Variant type: single nucleotide variant.
Coding change: c.130G>A on transcript NM_033337.3 (MANE Select); coding-DNA position 130, G replaced by A.
Protein change: p.Val44Met; replaces valine 44 with methionine.
Molecular consequence: missense variant.
Genome position (GRCh38, 1-based): chr3:8,745,541, G>A. VCF-style: chr3-8745541-G-A. GRCh37 (hg19) VCF-style: chr3-8787227-G-A.
Other names: c.130G>A, p.Val44Met (NM_001234.5); short protein forms V44M.
Identifiers: ClinVar variation 850682 (VCV000850682.7), dbSNP rs1341523879, ClinGen allele CA351663144.

ClinVar aggregate classification (germline): Uncertain significance. Review status: criteria provided, multiple submitters, no conflicts (2 of 4 stars). 2 submissions from 2 submitters: Uncertain significance (2). Last evaluated 2026-01-21.

Conditions:
Cardiovascular phenotype. Identifiers: MedGen CN230736.
Long QT syndrome (LQTS). Identifiers: MedGen C0023976, MeSH D008133, MONDO:0002442. Disease mechanism: loss of function. Inheritance: Various modes of inheritance.

Allele frequency attached by ClinVar (database versions not stated): gnomAD exomes below 0.00001 and 0.00001.
gnomAD v4.1: 9 of 1,614,126 alleles (0.00056%); highest among the groups gnomAD compares: East Asian, 0.0022%; no homozygotes.

Submissions (2):

Labcorp Genetics (formerly Invitae), Labcorp
Classification: Uncertain significance for Long QT syndrome. Last evaluated: 2026-01-21. Review status: criteria provided, single submitter. Criteria: Invitae Variant Classification Sherloc (09022015). Collection method: clinical testing. Allele origin: germline.
Comment: This sequence change replaces valine, which is neutral and non-polar, with methionine, which is neutral and non-polar, at codon 44 of the CAV3 protein (p.Val44Met). This variant is present in population databases (no rsID available, gnomAD 0.003%). This missense change has been observed in individual(s) with CAV3-related conditions (PMID: 32004987, 32528171, 35239206). ClinVar contains an entry for this variant (Variation ID: 850682). An algorithm developed to predict the effect of missense changes on protein structure and function (PolyPhen-2) suggests that this variant is likely to be disruptive. In summary, the available evidence is currently insufficient to determine the role of this variant in disease. Therefore, it has been classified as a Variant of Uncertain Significance.

Ambry Genetics
Classification: Uncertain significance for Cardiovascular phenotype. Last evaluated: 2025-06-09. Review status: criteria provided, single submitter. Criteria: Ambry Variant Classification Scheme 2023. Collection method: clinical testing. Allele origin: germline.
Comment: The p.V44M variant (also known as c.130G>A), located in coding exon 2 of the CAV3 gene, results from a G to A substitution at nucleotide position 130. The valine at codon 44 is replaced by methionine, an amino acid with highly similar properties. This variant was identified in one or more individuals with features consistent with caveolinopathy and segregated with disease in at least one family (Bruno G et al. Clin Neurol Neurosurg, 2020 Apr;191:105687; T&ouml;pf A et al. Genet Med, 2020 Sep;22:1478-1488; Krenn M et al. Eur J Neurol, 2022 Jun;29:1815-1824; Berling E et al. Eur J Neurol, 2023 Aug;30:2506-2517). This amino acid position is highly conserved in available vertebrate species. In addition, this alteration is predicted to be deleterious by in silico analysis.

Literature cited by the submitters: PubMed 32004987 (cited by Labcorp Genetics (formerly Invitae), Labcorp and Ambry Genetics); PubMed 32528171 (cited by Labcorp Genetics (formerly Invitae), Labcorp and Ambry Genetics); PubMed 35239206 (cited by Labcorp Genetics (formerly Invitae), Labcorp and Ambry Genetics); PubMed 37166430 (cited by Ambry Genetics).